The following is an entry in ClinVar:

NM_001384140.1(PCDH15):c.1843C>A (p.Arg615Ser)

Gene: PCDH15 (protocadherin related 15; minus strand). Cytogenetic location: 10q21.1.
Variant type: single nucleotide variant.
Coding change: c.1843C>A on transcript NM_001384140.1 (MANE Select); coding-DNA position 1843, C replaced by A.
Protein change: p.Arg615Ser; replaces arginine 615 with serine.
Molecular consequence: missense variant. On other transcripts: intron variant (1).
Genome position (GRCh38, 1-based): chr10:54,132,949, G>T on the plus strand (C>A on the coding strand, the complement: PCDH15 is on the minus strand). VCF-style: chr10-54132949-G-T. GRCh37 (hg19) VCF-style: chr10-55892709-G-T.
Other names: c.1858C>A, p.Arg620Ser (NM_001142763.2, NM_001142771.2); c.1843C>A, p.Arg615Ser (NM_001142764.2, NM_001142766.2, NM_001142770.3 and 5 more transcripts); c.1732C>A, p.Arg578Ser (NM_001142767.2); c.1777C>A, p.Arg593Ser (NM_001142768.2, NM_001142773.2, NM_001354404.2); c.1879C>A, p.Arg627Ser (NM_001142769.4); c.1864C>A, p.Arg622Ser (NM_001354411.2); c.1784+20151C>A (NM_001142765.2); short protein forms R578S, R593S, R627S, R620S, R615S, R622S.
Identifiers: ClinVar variation 1348852 (VCV001348852.6), dbSNP rs139104747, ClinGen allele CA5506244.

ClinVar aggregate classification (germline): Uncertain significance (1 of 4 stars; one submission).

gnomAD v4.1: 3 of 1,614,060 alleles (0.00019%); highest among the groups gnomAD compares: Admixed American, 0.005%; no homozygotes.

Submission:

Labcorp Genetics (formerly Invitae), Labcorp
Classification: Uncertain significance. Last evaluated: 2021-11-01. Review status: criteria provided, single submitter. Criteria: Invitae Variant Classification Sherloc (09022015). Collection method: clinical testing. Allele origin: germline.
Comment: This sequence change replaces arginine, which is basic and polar, with serine, which is neutral and polar, at codon 615 of the PCDH15 protein (p.Arg615Ser). Algorithms developed to predict the effect of missense changes on protein structure and function are either unavailable or do not agree on the potential impact of this missense change (SIFT: "Deleterious"; PolyPhen-2: "Possibly Damaging"; Align-GVGD: "Class C0"). This variant has not been reported in the literature in individuals affected with PCDH15-related conditions. This variant is present in population databases (rs139104747, gnomAD 0.009%). In summary, the available evidence is currently insufficient to determine the role of this variant in disease. Therefore, it has been classified as a Variant of Uncertain Significance.